The following is an entry in ClinVar:

ClinVar aggregate classification (germline): Uncertain significance (1 of 4 stars; one submission).

Conditions:
Hereditary cancer-predisposing syndrome. Also called: Tumor predisposition; Hereditary neoplastic syndrome; Hereditary Cancer Syndrome; Neoplastic Syndromes, Hereditary. Identifiers: Orphanet 140162, MedGen C0027672, MeSH D009386, MONDO:0015356.

gnomAD v4.1: 2 of 1,614,022 alleles (0.00012%); highest among the groups gnomAD compares: Non-Finnish European, 0.00017%; no homozygotes.

Submission:

Ambry Genetics
Classification: Uncertain significance for Hereditary cancer-predisposing syndrome. Last evaluated: 2024-01-23. Review status: criteria provided, single submitter. Criteria: Ambry Variant Classification Scheme 2023. Collection method: clinical testing. Allele origin: germline.
Comment: The p.R137G variant (also known as c.409C>G), located in coding exon 3 of the CTNNA1 gene, results from a C to G substitution at nucleotide position 409. The arginine at codon 137 is replaced by glycine, an amino acid with dissimilar properties. This amino acid position is conserved. In addition, the in silico prediction for this alteration is inconclusive. Based on the available evidence, the clinical significance of this alteration remains unclear.

NM_001903.5(CTNNA1):c.409C>G (p.Arg137Gly)

Gene: CTNNA1 (catenin alpha 1; plus strand). Cytogenetic location: 5q31.2.
Variant type: single nucleotide variant.
Coding change: c.409C>G on transcript NM_001903.5 (MANE Select); coding-DNA position 409, C replaced by G.
Protein change: p.Arg137Gly; replaces arginine 137 with glycine.
Molecular consequence: missense variant.
Genome position (GRCh38, 1-based): chr5:138,810,145, C>G. VCF-style: chr5-138810145-C-G. GRCh37 (hg19) VCF-style: chr5-138145834-C-G.
Other names: c.409C>G, p.Arg137Gly (NM_001290307.3, NM_001323982.2, NM_001323983.1 and 3 more transcripts); c.100C>G, p.Arg34Gly (NM_001290309.3); c.40C>G, p.Arg14Gly (NM_001290310.3); short protein forms R137G, R14G, R34G.
Identifiers: ClinVar variation 3221916 (VCV003221916.1), dbSNP rs781124226, ClinGen allele CA361123308.